The following is an entry in ClinVar:

NM_016363.5(GP6):c.*642dup

Gene: GP6 (glycoprotein VI platelet; minus strand). Cytogenetic location: 19q13.42.
Variant type: Duplication.
Coding change: c.*642dup on transcript NM_016363.5 (MANE Select); 642 bases downstream of the stop codon, one base duplicated (A; older notation c.*642dupA).
Molecular consequence: 3 prime UTR variant. On other transcripts: frameshift variant (1).
Genome position (GRCh38, 1-based): chr19:55,014,279, T duplicated on the plus strand (A on the coding strand, the reverse complement: GP6 is on the minus strand); the first of 7 consecutive T bases (chr19:55,014,279-55,014,285); duplicating any one gives the same sequence. VCF-style (leftmost placement, unchanged base first): chr19-55014278-G-GT. GRCh37 (hg19) VCF-style: chr19-55525646-G-GT.
Other names: c.1666dup, p.Thr556fs (NM_001083899.2); c.*642dup (NM_001256017.2); short protein forms T556fs.
Identifiers: ClinVar variation 1967555 (VCV001967555.5), dbSNP rs754459187, ClinGen allele CA310121102.

ClinVar aggregate classification (germline): Uncertain significance (1 of 4 stars; one submission).

Submission:

Labcorp Genetics (formerly Invitae), Labcorp
Classification: Uncertain significance. Last evaluated: 2022-03-26. Review status: criteria provided, single submitter. Criteria: Invitae Variant Classification Sherloc (09022015). Collection method: clinical testing. Allele origin: germline.
Comment: In summary, the available evidence is currently insufficient to determine the role of this variant in disease. Therefore, it has been classified as a Variant of Uncertain Significance. Experimental studies and prediction algorithms are not available or were not evaluated, and the functional significance of this variant is currently unknown. This variant has not been reported in the literature in individuals affected with GP6-related conditions. The frequency data for this variant in the population databases is considered unreliable, as metrics indicate poor data quality at this position in the gnomAD database. This sequence change creates a premature translational stop signal (p.Thr556Asnfs*35) in the GP6 gene. While this is not anticipated to result in nonsense mediated decay, it is expected to disrupt the last 65 amino acid(s) of the GP6 protein.